The following is an entry in ClinVar:

ClinVar aggregate classification (germline): Likely benign. Review status: criteria provided, multiple submitters, no conflicts (2 of 4 stars). 2 submissions from 2 submitters: Likely benign (2). Last evaluated 2025-08-01.

Conditions:
Wilms tumor 1 (WT1). Also called: Wilms tumor, somatic. Identifiers: Orphanet 654, MedGen CN033288, MONDO:0008679, OMIM 194070.

Submissions (2):

CeGaT Center for Human Genetics Tuebingen
Classification: Likely benign. Last evaluated: 2025-08-01. Review status: criteria provided, single submitter. Criteria: CeGaT Center For Human Genetics Tuebingen Variant Classification Criteria Version 2. Collection method: clinical testing. Allele origin: germline. Affected: yes. Observed: 1 variant allele.
Comment: GPC3: PM2:Supporting, BP4, BP7

Labcorp Genetics (formerly Invitae), Labcorp
Classification: Likely benign for Wilms tumor 1. Last evaluated: 2022-06-07. Review status: criteria provided, single submitter. Criteria: Invitae Variant Classification Sherloc (09022015). Collection method: clinical testing. Allele origin: germline.

NM_004484.4(GPC3):c.351T>C (p.Ile117=)

Gene: GPC3 (glypican 3; minus strand). Cytogenetic location: Xq26.2.
Variant type: single nucleotide variant.
Coding change: c.351T>C on transcript NM_004484.4 (MANE Select); coding-DNA position 351, T replaced by C.
Protein change: p.Ile117=; no amino-acid change (isoleucine 117 retained).
Molecular consequence: synonymous variant.
Genome position (GRCh38, 1-based): chrX:133,754,163, A>G on the plus strand (T>C on the coding strand, the complement: GPC3 is on the minus strand). VCF-style: chrX-133754163-A-G. GRCh37 (hg19) VCF-style: chrX-132888190-A-G.
Other names: c.351T>C, p.Ile117= (NM_001164617.2); c.303T>C, p.Ile101= (NM_001164618.2); c.189T>C, p.Ile63= (NM_001164619.2).
Identifiers: ClinVar variation 1127513 (VCV001127513.17), dbSNP rs1603240797, ClinGen allele CA518852560.